The following is an entry in ClinVar:

ClinVar aggregate classification (germline): Uncertain significance. Review status: criteria provided, multiple submitters, no conflicts (2 of 4 stars). 2 submissions from 2 submitters: Uncertain significance (2). Last evaluated 2026-01-22.

Conditions:
Hereditary cancer-predisposing syndrome. Also called: Neoplastic Syndromes, Hereditary; Tumor predisposition; Hereditary Cancer Syndrome; Hereditary neoplastic syndrome. Identifiers: Orphanet 140162, MedGen C0027672, MeSH D009386, MONDO:0015356.
Mitochondrial complex II deficiency, nuclear type 1. Also called: SUCCINATE CoQ REDUCTASE DEFICIENCY. Identifiers: Orphanet 3208, MedGen C5700310, MONDO:0100294, OMIM 252011.
Pheochromocytoma/paraganglioma syndrome 5. Also called: Paragangliomas 5; SDHA-Related Hereditary Paraganglioma-Pheochromocytoma Syndrome. Identifiers: Orphanet 29072, MedGen C3279992, MONDO:0013602, OMIM 614165.

gnomAD v4.1: 1 of 1,614,068 alleles (0.000062%); no homozygotes.

Submissions (2):

Ambry Genetics
Classification: Uncertain significance for Hereditary cancer-predisposing syndrome. Last evaluated: 2026-01-22. Review status: criteria provided, single submitter. Criteria: Ambry Variant Classification Scheme 2023. Collection method: clinical testing. Allele origin: germline.
Comment: The p.G392D variant (also known as c.1175G>A), located in coding exon 9 of the SDHA gene, results from a G to A substitution at nucleotide position 1175. The glycine at codon 392 is replaced by aspartic acid, an amino acid with similar properties. This amino acid position is conserved. In addition, this alteration is predicted to be deleterious by in silico analysis. Based on the available evidence, the clinical significance of this variant remains unclear.

Labcorp Genetics (formerly Invitae), Labcorp
Classification: Uncertain significance for Pheochromocytoma/paraganglioma syndrome 5; Mitochondrial complex II deficiency, nuclear type 1. Last evaluated: 2022-12-25. Review status: criteria provided, single submitter. Criteria: Invitae Variant Classification Sherloc (09022015). Collection method: clinical testing. Allele origin: germline.
Comment: In summary, the available evidence is currently insufficient to determine the role of this variant in disease. Therefore, it has been classified as a Variant of Uncertain Significance. Advanced modeling of protein sequence and biophysical properties (such as structural, functional, and spatial information, amino acid conservation, physicochemical variation, residue mobility, and thermodynamic stability) performed at Invitae indicates that this missense variant is not expected to disrupt SDHA protein function. This variant has not been reported in the literature in individuals affected with SDHA-related conditions. This variant is not present in population databases (gnomAD no frequency). This sequence change replaces glycine, which is neutral and non-polar, with aspartic acid, which is acidic and polar, at codon 392 of the SDHA protein (p.Gly392Asp).

NM_004168.4(SDHA):c.1175G>A (p.Gly392Asp)

Gene: SDHA (succinate dehydrogenase complex flavoprotein subunit A; plus strand). Cytogenetic location: 5p15.33.
Variant type: single nucleotide variant.
Coding change: c.1175G>A on transcript NM_004168.4 (MANE Select); coding-DNA position 1175, G replaced by A.
Protein change: p.Gly392Asp; replaces glycine 392 with aspartic acid.
Molecular consequence: missense variant.
Genome position (GRCh38, 1-based): chr5:235,254, G>A. VCF-style: chr5-235254-G-A. GRCh37 (hg19) VCF-style: chr5-235369-G-A.
Other names: c.1175G>A (NM_004168.2); c.1031G>A, p.Gly344Asp (NM_001294332.2); c.1175G>A, p.Gly392Asp (NM_001330758.2); short protein forms G392D, G344D.
Identifiers: ClinVar variation 2935748 (VCV002935748.4), dbSNP rs2126585055, ClinGen allele CA359013608.